The following is an entry in ClinVar:

ClinVar aggregate classification (germline): Pathogenic. Review status: reviewed by expert panel (3 of 4 stars). 3 submissions from 3 submitters: Pathogenic (1). 2 of the submissions do not count toward it. Last evaluated 2022-05-18.

Conditions:
Hereditary cancer-predisposing syndrome. Also called: Hereditary neoplastic syndrome; Tumor predisposition; Neoplastic Syndromes, Hereditary; Hereditary Cancer Syndrome. Identifiers: Orphanet 140162, MedGen C0027672, MeSH D009386, MONDO:0015356.
DICER1-related tumor predisposition. Also called: DICER1-related pleuropulmonary blastoma cancer predisposition syndrome; DICER1 syndrome. Identifiers: Orphanet 284343, MedGen C3839822, MONDO:0100216.

Submissions (3):

ClinGen DICER1 and miRNA-Processing Gene Variant Curation Expert Panel, ClinGen
Classification: Pathogenic for DICER1-related tumor predisposition. Last evaluated: 2022-05-18. Review status: reviewed by expert panel. Criteria: ClinGen DICER1 ACMG Specifications DICER1 v1. Collection method: curation. Allele origin: germline. Inheritance: Autosomal dominant inheritance.
Comment: The NM_177438.2:c.2988-1G>T variant in DICER1 occurs within the canonical splice acceptor site (- 1) of intron 18. It is predicted to cause skipping of biologically-relevant-exon 19/27, resulting in a frameshift leading to nonsense mediated decay in a gene in which loss-of-function is an established disease mechanism (PVS1). This variant has been identified as a de novo occurrence with confirmed parental relationships in 1 individual(s) with DICER1-related phenotypes (PS2; SCV000824652.2). This variant received a total of 2 phenotype points across 2 unrelated probands meeting DICER1 VCEP phenotype specificity scoring criteria of 2-3.5 points (PS4_Moderate; SCV000824652.2, SCV000581526.3). This variant is absent from gnomAD v2.1.1 and v3.1.1 (non-cancer) (PM2_Supporting). In summary, this variant meets the criteria to be classified as Pathogenic for DICER1 syndrome based on the ACMG/AMP criteria applied, as specified by the ClinGen DICER1 VCEP: PVS1, PS2, PS4_moderate, PM2_supporting. (Bayesian Points: 15; VCEP specifications version 1; 02/11/2022)

Labcorp Genetics (formerly Invitae), Labcorp
Classification: Pathogenic for DICER1-related tumor predisposition. Last evaluated: 2024-04-10. Review status: criteria provided, single submitter. Criteria: Invitae Variant Classification Sherloc (09022015). Collection method: clinical testing. Allele origin: germline. Not counted in ClinVar's aggregate classification.
Comment: This sequence change affects an acceptor splice site in intron 18 of the DICER1 gene. It is expected to disrupt RNA splicing. Variants that disrupt the donor or acceptor splice site typically lead to a loss of protein function (PMID: 16199547), and loss-of-function variants in DICER1 are known to be pathogenic (PMID: 19556464, 21266384). This variant is not present in population databases (gnomAD no frequency). Disruption of this splice site has been observed in individual(s) with clinical features of DICER1-related disease (Invitae). In at least one individual the variant was observed to be de novo. ClinVar contains an entry for this variant (Variation ID: 429116). Algorithms developed to predict the effect of sequence changes on RNA splicing suggest that this variant may disrupt the consensus splice site. For these reasons, this variant has been classified as Pathogenic.

Ambry Genetics
Classification: Pathogenic for Hereditary cancer-predisposing syndrome. Last evaluated: 2012-11-12. Review status: criteria provided, single submitter. Criteria: Ambry Autosomal Dominant and X-Linked criteria (10/2015). Collection method: clinical testing. Allele origin: germline. Observed: 1 variant allele. Not counted in ClinVar's aggregate classification.
Comment: Alterations at the canonical donor/acceptor sites (+/- 1, 2) without other strong (b-level) evidence supporting pathogenicity;In silico models in agreement (deleterious) and/or completely conserved position in appropriate species

Literature cited by the submitters: PubMed 16199547 (cited by Labcorp Genetics (formerly Invitae), Labcorp); PubMed 19556464 (cited by Labcorp Genetics (formerly Invitae), Labcorp); PubMed 21266384 (cited by Labcorp Genetics (formerly Invitae), Labcorp).

NM_177438.3(DICER1):c.2988-1G>T

Gene: DICER1 (dicer 1, ribonuclease III; minus strand). Cytogenetic location: 14q32.13.
Variant type: single nucleotide variant.
Coding change: c.2988-1G>T on transcript NM_177438.3 (MANE Select); the canonical splice acceptor site of the intron before coding-DNA position 2988, G replaced by T.
Molecular consequence: splice acceptor variant. On other transcripts: non-coding transcript variant (1).
Genome position (GRCh38, 1-based): chr14:95,105,784, C>A on the plus strand (G>T on the coding strand, the complement: DICER1 is on the minus strand). VCF-style: chr14-95105784-C-A. GRCh37 (hg19) VCF-style: chr14-95572121-C-A.
Other names: NM_177438.2(DICER1):c.2988-1G>T; c.2988-1G>T (NM_001291628.2, NM_030621.4, NM_001395677.1 and 12 more transcripts); c.2583-1G>T (NM_001395690.1, NM_001395687.1, NM_001395689.1 and 2 more transcripts); c.2706-1G>T (NM_001395686.1); c.2421-1G>T (NM_001395691.1); c.1305-1G>T (NM_001395697.1).
Identifiers: ClinVar variation 429116 (VCV000429116.14), dbSNP rs1131691192, ClinGen allele CA390878663.